The following is an entry in ClinVar:

NM_020964.3(EPG5):c.1609G>A (p.Glu537Lys)

Gene: EPG5 (ectopic P-granules 5 autophagy tethering factor; minus strand). Cytogenetic location: 18q21.1.
Variant type: single nucleotide variant.
Coding change: c.1609G>A on transcript NM_020964.3 (MANE Select); coding-DNA position 1609, G replaced by A.
Protein change: p.Glu537Lys; replaces glutamic acid 537 with lysine.
Molecular consequence: missense variant.
Genome position (GRCh38, 1-based): chr18:45,946,731, C>T on the plus strand (G>A on the coding strand, the complement: EPG5 is on the minus strand). VCF-style: chr18-45946731-C-T. GRCh37 (hg19) VCF-style: chr18-43526697-C-T.
Other names: short protein forms E537K.
Identifiers: ClinVar variation 723660 (VCV000723660.14), dbSNP rs183660877, ClinGen allele CA8949656.

ClinVar aggregate classification (germline): Likely benign. Review status: criteria provided, single submitter (1 of 4 stars). 2 submissions from 2 submitters: Likely benign (1). 1 of the submissions does not count toward it. Last evaluated 2026-01-28.

Conditions:
Vici syndrome (VICIS). Identifiers: Orphanet 1493, MedGen C1855772, MONDO:0009452, OMIM 242840.
EPG5-related disorder. Also called: EPG5-related condition. Identifiers: MedGen CN381528.

Allele frequency attached by ClinVar (database versions not stated): gnomAD exomes 0.00013 and 0.00058; gnomAD 0.00023 and 0.00027; TOPMed 0.00028; ExAC 0.00054; 1000 Genomes Project 0.00060; 1000 Genomes Project 30x 0.00125.
gnomAD v4.1: 224 of 1,614,176 alleles (0.014%); highest among the groups gnomAD compares: East Asian, 0.43%; no homozygotes.

Submissions (2):

Labcorp Genetics (formerly Invitae), Labcorp
Classification: Likely benign for Vici syndrome. Last evaluated: 2026-01-28. Review status: criteria provided, single submitter. Criteria: Invitae Variant Classification Sherloc (09022015). Collection method: clinical testing. Allele origin: germline.

PreventionGenetics, part of Exact Sciences
Classification: Likely benign for EPG5-related condition. Last evaluated: 2019-12-19. Review status: no assertion criteria provided. Collection method: clinical testing. Allele origin: germline. Not counted in ClinVar's aggregate classification.
Comment: This variant is classified as likely benign based on ACMG/AMP sequence variant interpretation guidelines (Richards et al. 2015 PMID: 25741868, with internal and published modifications).